The following is an entry in ClinVar:

NM_001164665.2(KIAA1549):c.1848_1849inv (p.Arg617Gly)

Gene: KIAA1549 (KIAA1549; minus strand). Cytogenetic location: 7q34.
Variant type: Inversion.
Coding change: c.1848_1849inv on transcript NM_001164665.2 (MANE Select).
Protein change: p.Arg617Gly; replaces arginine 617 with glycine.
Molecular consequence: missense variant.
Genome position: GRCh38 VCF-style: chr7-138917777-TG-CA. GRCh37 (hg19) VCF-style: chr7-138602523-TG-CA.
Other names: c.1848_1849inv, p.Arg617Gly (NM_020910.3); short protein forms R617G.
Identifiers: ClinVar variation 1042641 (VCV001042641.5), ClinGen allele CA2499218764.

ClinVar aggregate classification (germline): Uncertain significance (1 of 4 stars; one submission).

Submission:

Labcorp Genetics (formerly Invitae), Labcorp
Classification: Uncertain significance. Last evaluated: 2022-08-23. Review status: criteria provided, single submitter. Criteria: Invitae Variant Classification Sherloc (09022015). Collection method: clinical testing. Allele origin: germline.
Comment: This sequence change replaces arginine, which is basic and polar, with glycine, which is neutral and non-polar, at codon 617 of the KIAA1549 protein (p.Arg617Gly). Information on the frequency of this variant in the gnomAD database is not available, as this variant may be reported differently in the database. This variant has not been reported in the literature in individuals affected with KIAA1549-related conditions. ClinVar contains an entry for this variant (Variation ID: 1042641). Experimental studies and prediction algorithms are not available or were not evaluated, and the functional significance of this variant is currently unknown. In summary, the available evidence is currently insufficient to determine the role of this variant in disease. Therefore, it has been classified as a Variant of Uncertain Significance.